The following is an entry in ClinVar:

NM_001204.7(BMPR2):c.2930C>T (p.Thr977Ile)

Gene: BMPR2 (bone morphogenetic protein receptor type 2; plus strand). Cytogenetic location: 2q33.2.
Variant type: single nucleotide variant.
Coding change: c.2930C>T on transcript NM_001204.7 (MANE Select); coding-DNA position 2930, C replaced by T.
Protein change: p.Thr977Ile; replaces threonine 977 with isoleucine.
Molecular consequence: missense variant.
Genome position (GRCh38, 1-based): chr2:202,559,759, C>T. VCF-style: chr2-202559759-C-T. GRCh37 (hg19) VCF-style: chr2-203424482-C-T.
Other names: short protein forms T977I.
Identifiers: ClinVar variation 4597309 (VCV004597309.1).

ClinVar aggregate classification (germline): Uncertain significance (1 of 4 stars; one submission).

Conditions:
Inborn genetic diseases. Identifiers: MedGen C0950123, MeSH D030342.

Submission:

Ambry Genetics
Classification: Uncertain significance for Inborn genetic diseases. Last evaluated: 2025-10-14. Review status: criteria provided, single submitter. Criteria: Ambry Variant Classification Scheme 2023. Collection method: clinical testing. Allele origin: germline.
Comment: The p.T977I variant (also known as c.2930C>T), located in coding exon 13 of the BMPR2 gene, results from a C to T substitution at nucleotide position 2930. The threonine at codon 977 is replaced by isoleucine, an amino acid with similar properties. This amino acid position is conserved. In addition, this alteration is predicted to be deleterious by in silico analysis. Based on the available evidence, the clinical significance of this variant remains unclear.